The following is an entry in ClinVar:

NM_018406.7(MUC4):c.9741C>T (p.Thr3247=)

Gene: MUC4 (mucin 4, cell surface associated). Cytogenetic location: 3q29.
Variant type: single nucleotide variant.
Coding change: c.9741C>T on transcript NM_018406.7 (MANE Select); coding-DNA position 9741, C replaced by T.
Protein change: p.Thr3247=; no amino-acid change (threonine 3247 retained).
Molecular consequence: synonymous variant. On other transcripts: intron variant (2).
Genome position (GRCh38, 1-based): chr3:195,781,839, G>A on the plus strand (C>T on the coding strand, the complement: MUC4 is on the minus strand). VCF-style: chr3-195781839-G-A. GRCh37 (hg19) VCF-style: chr3-195508710-G-A.
Other names: c.83-7534C>T (NM_138297.5); c.83-3384C>T (NM_004532.6).
Identifiers: ClinVar variation 4533822 (VCV004533822.6).

ClinVar aggregate classification (germline): Likely benign (1 of 4 stars; one submission).

Submission:

CeGaT Center for Human Genetics Tuebingen
Classification: Likely benign. Last evaluated: 2025-11-01. Review status: criteria provided, single submitter. Criteria: CeGaT Center For Human Genetics Tuebingen Variant Classification Criteria Version 2. Collection method: clinical testing. Allele origin: germline. Affected: yes. Observed: 1 variant allele.
Comment: MUC4: BP4, BP7